The following is an entry in ClinVar:

NM_022041.4(GAN):c.1252G>C (p.Ala418Pro)

Gene: GAN (gigaxonin; plus strand). Cytogenetic location: 16q23.2.
Variant type: single nucleotide variant.
Coding change: c.1252G>C on transcript NM_022041.4 (MANE Select); coding-DNA position 1252, G replaced by C.
Protein change: p.Ala418Pro; replaces alanine 418 with proline.
Molecular consequence: missense variant.
Genome position (GRCh38, 1-based): chr16:81,364,989, G>C. VCF-style: chr16-81364989-G-C. GRCh37 (hg19) VCF-style: chr16-81398594-G-C.
Other names: c.613G>C, p.Ala205Pro (NM_001377486.1); short protein forms A418P, A205P.
Identifiers: ClinVar variation 568269 (VCV000568269.9), dbSNP rs752800283, ClinGen allele CA8191693.

ClinVar aggregate classification (germline): Uncertain significance. Review status: criteria provided, multiple submitters, no conflicts (2 of 4 stars). 2 submissions from 2 submitters: Uncertain significance (2). Last evaluated 2024-05-20.

Conditions:
Inborn genetic diseases. Identifiers: MedGen C0950123, MeSH D030342.
Giant axonal neuropathy 1 (GAN1). Also called: GIANT AXONAL NEUROPATHY 1, AUTOSOMAL RECESSIVE; GAN-Related Neurodegeneration. Identifiers: Orphanet 643, MedGen C1850386, MONDO:0009749, OMIM 256850.

Allele frequency attached by ClinVar (database versions not stated): gnomAD 0.00001; TOPMed 0.00001.
gnomAD v4.1: 5 of 1,613,932 alleles (0.00031%); highest among the groups gnomAD compares: East Asian, 0.0089%; no homozygotes.

Submissions (2):

Ambry Genetics
Classification: Uncertain significance for Inborn genetic diseases. Last evaluated: 2024-05-20. Review status: criteria provided, single submitter. Criteria: Ambry Variant Classification Scheme 2023. Collection method: clinical testing. Allele origin: germline.

Labcorp Genetics (formerly Invitae), Labcorp
Classification: Uncertain significance for Giant axonal neuropathy 1. Last evaluated: 2018-05-22. Review status: criteria provided, single submitter. Criteria: Invitae Variant Classification Sherloc (09022015). Collection method: clinical testing. Allele origin: germline.
Comment: Algorithms developed to predict the effect of missense changes on protein structure and function (SIFT, PolyPhen-2, Align-GVGD) all suggest that this variant is likely to be tolerated, but these predictions have not been confirmed by published functional studies and their clinical significance is uncertain. This variant has not been reported in the literature in individuals with GAN-related disease. This variant is present in population databases (rs752800283, ExAC 0.02%). This sequence change replaces alanine with proline at codon 418 of the GAN protein (p.Ala418Pro). The alanine residue is moderately conserved and there is a small physicochemical difference between alanine and proline. In summary, the available evidence is currently insufficient to determine the role of this variant in disease. Therefore, it has been classified as a Variant of Uncertain Significance.